The following is an entry in ClinVar:

ClinVar aggregate classification (germline): Uncertain significance (1 of 4 stars; one submission).

Conditions:
Developmental and epileptic encephalopathy, 32 (DEE32). Also called: Epileptic encephalopathy, early infantile, 32. Identifiers: Orphanet 442835, MedGen C4225350, MONDO:0014607, OMIM 616366.

Submission:

Labcorp Genetics (formerly Invitae), Labcorp
Classification: Uncertain significance for Developmental and epileptic encephalopathy, 32. Last evaluated: 2022-10-25. Review status: criteria provided, single submitter. Criteria: Invitae Variant Classification Sherloc (09022015). Collection method: clinical testing. Allele origin: germline.
Comment: Advanced modeling of protein sequence and biophysical properties (such as structural, functional, and spatial information, amino acid conservation, physicochemical variation, residue mobility, and thermodynamic stability) performed at Invitae indicates that this missense variant is not expected to disrupt KCNA2 protein function. This variant has not been reported in the literature in individuals affected with KCNA2-related conditions. This variant is not present in population databases (gnomAD no frequency). This sequence change replaces valine, which is neutral and non-polar, with leucine, which is neutral and non-polar, at codon 261 of the KCNA2 protein (p.Val261Leu). In summary, the available evidence is currently insufficient to determine the role of this variant in disease. Therefore, it has been classified as a Variant of Uncertain Significance.

NM_004974.4(KCNA2):c.781G>T (p.Val261Leu)

Gene: KCNA2 (potassium voltage-gated channel subfamily A member 2; minus strand). Cytogenetic location: 1p13.3.
Variant type: single nucleotide variant.
Coding change: c.781G>T on transcript NM_004974.4 (MANE Select); coding-DNA position 781, G replaced by T.
Protein change: p.Val261Leu; replaces valine 261 with leucine.
Molecular consequence: missense variant.
Genome position (GRCh38, 1-based): chr1:110,604,002, C>A on the plus strand (G>T on the coding strand, the complement: KCNA2 is on the minus strand). VCF-style: chr1-110604002-C-A. GRCh37 (hg19) VCF-style: chr1-111146624-C-A.
Other names: c.781G>T, p.Val261Leu (NM_001204269.2); short protein forms V261L.
Identifiers: ClinVar variation 1722141 (VCV001722141.6), dbSNP rs2524618842, ClinGen allele CA341603207.